The following is an entry in ClinVar:

ClinVar aggregate classification (germline): Uncertain significance. Review status: criteria provided, multiple submitters, no conflicts (2 of 4 stars). 3 submissions from 3 submitters: Uncertain significance (3). Last evaluated 2025-01-01.

Conditions:
Otospondylomegaepiphyseal dysplasia, autosomal recessive (OSMEDB). Also called: Insley-Astley syndrome; CHONDRODYSTROPHY WITH SENSORINEURAL DEAFNESS. Identifiers: Orphanet 1427, MedGen CN034493, MONDO:0044206, OMIM 215150.
Autosomal recessive nonsyndromic hearing loss 53. Identifiers: Orphanet 90636, MedGen C1864746, MONDO:0012333, OMIM 609706.
Autosomal dominant nonsyndromic hearing loss 13. Identifiers: Orphanet 90635, MedGen C1866095, MONDO:0011159, OMIM 601868.
Otospondylomegaepiphyseal dysplasia, autosomal dominant (OSMEDA). Also called: Pierre Robin syndrome with fetal chondrodysplasia; Stickler syndrome, type 3; COL11A2-Related Stickler Syndrome. Identifiers: Orphanet 166100, Orphanet 3450, MedGen C1848488, MONDO:0008490, OMIM 184840.
Fibrochondrogenesis 2 (FBCG2). Identifiers: Orphanet 2021, MedGen C3281128, MONDO:0013795, OMIM 614524.
Inborn genetic diseases. Identifiers: MedGen C0950123, MeSH D030342.

gnomAD v4.1: 1 of 1,613,034 alleles (0.000062%); highest among the groups gnomAD compares: Non-Finnish European, 0.000085%; no homozygotes.

Submissions (3):

Ambry Genetics
Classification: Uncertain significance for Inborn genetic diseases. Last evaluated: 2025-01-01. Review status: criteria provided, single submitter. Criteria: Ambry Variant Classification Scheme 2023. Collection method: clinical testing. Allele origin: germline.

Labcorp Genetics (formerly Invitae), Labcorp
Classification: Uncertain significance. Last evaluated: 2024-11-06. Review status: criteria provided, single submitter. Criteria: Invitae Variant Classification Sherloc (09022015). Collection method: clinical testing. Allele origin: germline.
Comment: This sequence change replaces glutamic acid, which is acidic and polar, with lysine, which is basic and polar, at codon 767 of the COL11A2 protein (p.Glu767Lys). This variant is not present in population databases (gnomAD no frequency). This variant has not been reported in the literature in individuals affected with COL11A2-related conditions. ClinVar contains an entry for this variant (Variation ID: 1405947). Invitae Evidence Modeling of protein sequence and biophysical properties (such as structural, functional, and spatial information, amino acid conservation, physicochemical variation, residue mobility, and thermodynamic stability) indicates that this missense variant is not expected to disrupt COL11A2 protein function with a negative predictive value of 95%. In summary, the available evidence is currently insufficient to determine the role of this variant in disease. Therefore, it has been classified as a Variant of Uncertain Significance.

Fulgent Genetics
Classification: Uncertain significance for Otospondylomegaepiphyseal dysplasia, autosomal dominant; Otospondylomegaepiphyseal dysplasia, autosomal recessive; Autosomal dominant nonsyndromic hearing loss 13; Autosomal recessive nonsyndromic hearing loss 53; Fibrochondrogenesis 2. Last evaluated: 2021-08-07. Review status: criteria provided, single submitter. Criteria: ACMG Guidelines, 2015. Collection method: clinical testing. Allele origin: unknown.

NM_080680.3(COL11A2):c.2299G>A (p.Glu767Lys)

Gene: COL11A2 (collagen type XI alpha 2 chain; minus strand). Cytogenetic location: 6p21.32.
Variant type: single nucleotide variant.
Coding change: c.2299G>A on transcript NM_080680.3 (MANE Select); coding-DNA position 2299, G replaced by A.
Protein change: p.Glu767Lys; replaces glutamic acid 767 with lysine.
Molecular consequence: missense variant.
Genome position (GRCh38, 1-based): chr6:33,175,651, C>T on the plus strand (G>A on the coding strand, the complement: COL11A2 is on the minus strand). VCF-style: chr6-33175651-C-T. GRCh37 (hg19) VCF-style: chr6-33143428-C-T.
Other names: c.2299G>A (NM_080680.2); c.1978G>A, p.Glu660Lys (NM_080679.3); c.2041G>A, p.Glu681Lys (NM_080681.3); short protein forms E681K, E767K, E660K.
Identifiers: ClinVar variation 1405947 (VCV001405947.8), dbSNP rs1770799762, ClinGen allele CA363647323.